The following is an entry in ClinVar:

ClinVar aggregate classification (germline): Uncertain significance. Review status: criteria provided, multiple submitters, no conflicts (2 of 4 stars). 2 submissions from 2 submitters: Uncertain significance (2). Last evaluated 2025-11-04.

Conditions:
Inborn genetic diseases. Identifiers: MedGen C0950123, MeSH D030342.

Submissions (2):

Ambry Genetics
Classification: Uncertain significance for Inborn genetic diseases. Last evaluated: 2025-11-04. Review status: criteria provided, single submitter. Criteria: Ambry Variant Classification Scheme 2023. Collection method: clinical testing. Allele origin: germline.
Comment: The p.K436T variant (also known as c.1307A>C), located in coding exon 1 of the SAMD9L gene, results from an A to C substitution at nucleotide position 1307. The lysine at codon 436 is replaced by threonine, an amino acid with similar properties. This amino acid position is conserved. In addition, this alteration is predicted to be tolerated by in silico analysis. Based on the available evidence, the clinical significance of this variant remains unclear.

Labcorp Genetics (formerly Invitae), Labcorp
Classification: Uncertain significance. Last evaluated: 2025-07-05. Review status: criteria provided, single submitter. Criteria: Invitae Variant Classification Sherloc (09022015). Collection method: clinical testing. Allele origin: germline.
Comment: This sequence change replaces lysine, which is basic and polar, with threonine, which is neutral and polar, at codon 436 of the SAMD9L protein (p.Lys436Thr). This variant is not present in population databases (gnomAD no frequency). This variant has not been reported in the literature in individuals affected with SAMD9L-related conditions. Invitae Evidence Modeling of protein sequence and biophysical properties (such as structural, functional, and spatial information, amino acid conservation, physicochemical variation, residue mobility, and thermodynamic stability) indicates that this missense variant is not expected to disrupt SAMD9L protein function with a negative predictive value of 80%. In summary, the available evidence is currently insufficient to determine the role of this variant in disease. Therefore, it has been classified as a Variant of Uncertain Significance.

NM_152703.5(SAMD9L):c.1307A>C (p.Lys436Thr)

Gene: SAMD9L (sterile alpha motif domain containing 9 like; minus strand). Cytogenetic location: 7q21.2.
Variant type: single nucleotide variant.
Coding change: c.1307A>C on transcript NM_152703.5 (MANE Select); coding-DNA position 1307, A replaced by C.
Protein change: p.Lys436Thr; replaces lysine 436 with threonine.
Molecular consequence: missense variant.
Genome position (GRCh38, 1-based): chr7:93,134,665, T>G on the plus strand (A>C on the coding strand, the complement: SAMD9L is on the minus strand). VCF-style: chr7-93134665-T-G. GRCh37 (hg19) VCF-style: chr7-92763978-T-G.
Other names: c.1307A>C, p.Lys436Thr (NM_001303496.3, NM_001303497.3, NM_001303498.3 and 5 more transcripts); short protein forms K436T.
Identifiers: ClinVar variation 4630095 (VCV004630095.2).